The following is an entry in ClinVar:

ClinVar aggregate classification (germline): Likely pathogenic (1 of 4 stars; one submission).

Conditions:
DHX9-related neurodevelopmental disorder.

Submission:

Illumina Laboratory Services, Illumina
Classification: Likely pathogenic for DHX9-related neurodevelopmental disorder. Last evaluated: 2023-08-09. Review status: criteria provided, single submitter. Criteria: ICSLVariantClassificationCriteria RUGD 01 April 2020. Collection method: clinical testing. Allele origin: unknown.
Comment: The DHX9 c.2291G>A (p.Arg764Gln) missense variant has not, to our knowledge, been reported in the peer-reviewed literature. It is located in a conserved motif within the helicase C-terminal domain where other missense variants have been reported in individuals with DHX9-related neurodevelopmental disorder (PMID: 37467750). The variant is not observed in version 2.1.1 or version 3.1.2 of the Genome Aggregation Database. Multiple lines of computational evidence suggest the variant impacts the gene or gene product. This variant was identified in a de novo state. Based on the available evidence, the c.2291G>A (p.Arg764Gln) variant is classified as likely pathogenic for DHX9-related neurodevelopmental disorder.

NM_001357.5(DHX9):c.2291G>A (p.Arg764Gln)

Gene: DHX9 (DExH-box helicase 9; plus strand). Cytogenetic location: 1q25.3.
Variant type: single nucleotide variant.
Coding change: c.2291G>A on transcript NM_001357.5 (MANE Select); coding-DNA position 2291, G replaced by A.
Protein change: p.Arg764Gln; replaces arginine 764 with glutamine.
Molecular consequence: missense variant. On other transcripts: non-coding transcript variant (1).
Genome position (GRCh38, 1-based): chr1:182,878,113, G>A. VCF-style: chr1-182878113-G-A. GRCh37 (hg19) VCF-style: chr1-182847248-G-A.
Other names: short protein forms R764Q.
Identifiers: ClinVar variation 2627913 (VCV002627913.1), dbSNP rs2526439955, ClinGen allele CA343662832.
Genomic context (GRCh38, chr1:182,878,113, plus strand): 5'-ATATGACCAACTATGCTACCGTATGGGCATCAAAAACAAACCTTGAGCAACGGAAAGGGC[G>A]AGCTGGCCGAGTACGGCCTGGATTCTGCTTTCACCTGTGCAGCCGAGCTCGTTTTGAGAG-3'
Protein context (NP_001348.2, residues 754-774): SKTNLEQRKG[Arg764Gln]AGRVRPGFCF